The following is an entry in ClinVar:

NR_003051.4(RMRP):n.187C>A

Gene: RMRP (RNA component of mitochondrial RNA processing endoribonuclease; minus strand). Cytogenetic location: 9p13.3.
Variant type: single nucleotide variant.
Genome position: GRCh38 VCF-style: chr9-35657833-G-T. GRCh37 (hg19) VCF-style: chr9-35657830-G-T.
Identifiers: ClinVar variation 1008198 (VCV001008198.5), dbSNP rs1051076135, ClinGen allele CA464450612.
Genomic context (GRCh38, chr9:35,657,833, plus strand): 5'-CCGTGTGGTTGGTGCGCGGACACGCACTGCCTGCGTAACTAGAGGGAGCTGACGGATGAC[G>T]CCCCCGCGCCACGCCGCTCAGCGGGATACGCTTCTTGGCGGACTTTGGAGTGGGAAGCGG-3'

ClinVar aggregate classification (germline): Uncertain significance. Review status: criteria provided, single submitter (1 of 4 stars). 2 submissions from 2 submitters: Uncertain significance (1). 1 of the submissions does not count toward it. Last evaluated 2022-07-18.

Conditions:
Metaphyseal chondrodysplasia, McKusick type (CHH). Also called: Cartilage-Hair Hypoplasia (CHH); Cartilage-hair hypoplasia. Identifiers: Orphanet 175, MedGen C0220748, MONDO:0009595, OMIM 250250.
Anauxetic dysplasia. Identifiers: Orphanet 93347, MedGen C1846796, MONDO:0011773.

gnomAD v4.1: 19 of 693,184 alleles (0.0027%); highest among the groups gnomAD compares: Admixed American, 0.034%; no homozygotes.

Submissions (2):

Labcorp Genetics (formerly Invitae), Labcorp
Classification: Uncertain significance for Anauxetic dysplasia. Last evaluated: 2022-07-18. Review status: criteria provided, single submitter. Criteria: Invitae Variant Classification Sherloc (09022015). Collection method: clinical testing. Allele origin: germline.
Comment: This variant occurs in the RMRP gene, which encodes an RNA molecule that does not result in a protein product. This variant is present in population databases (no rsID available, gnomAD 0.06%). This variant has not been reported in the literature in individuals affected with RMRP-related conditions. ClinVar contains an entry for this variant (Variation ID: 1008198). Experimental studies and prediction algorithms are not available or were not evaluated, and the functional significance of this variant is currently unknown. In summary, the available evidence is currently insufficient to determine the role of this variant in disease. Therefore, it has been classified as a Variant of Uncertain Significance.

Natera, Inc.
Classification: Uncertain significance for Cartilage-hair hypoplasia. Last evaluated: 2020-04-28. Review status: no assertion criteria provided. Collection method: clinical testing. Allele origin: germline. Not counted in ClinVar's aggregate classification.